The following is an entry in ClinVar:

NM_000368.5(TSC1):c.2503-13G>A

Gene: TSC1 (TSC complex subunit 1; minus strand). Cytogenetic location: 9q34.13.
Variant type: single nucleotide variant.
Coding change: c.2503-13G>A on transcript NM_000368.5 (MANE Select); 13 bases into the intron before coding-DNA position 2503, G replaced by A.
Molecular consequence: intron variant.
Genome position (GRCh38, 1-based): chr9:132,900,850, C>T on the plus strand (G>A on the coding strand, the complement: TSC1 is on the minus strand). VCF-style: chr9-132900850-C-T. GRCh37 (hg19) VCF-style: chr9-135776237-C-T.
Other names: c.2140-13G>A (NM_001362177.2); c.2350-13G>A (NM_001162427.2); c.2500-13G>A (NM_001162426.2).
Identifiers: ClinVar variation 1579023 (VCV001579023.10), dbSNP rs1197465592, ClinGen allele CA860668197.
Genomic context (GRCh38, chr9:132,900,850, plus strand): 5'-CCTGTTCAAGAACTCCATCTGCTGCTGGACCGACTCACTGTTTGAGAGCTAACCAAAAAA[C>T]ATGAGCAAAGTGAAAAATCCGACGACATAAAACTAGCACATAGACGTCATTAAACAGGGA-3'

ClinVar aggregate classification (germline): Likely benign. Review status: criteria provided, multiple submitters, no conflicts (2 of 4 stars). 2 submissions from 2 submitters: Likely benign (2). Last evaluated 2025-08-20.

Conditions:
Tuberous sclerosis 1 (TSC1). Identifiers: Orphanet 805, MedGen C1854465, MONDO:0008612, OMIM 191100.

Allele frequency attached by ClinVar (database versions not stated): gnomAD 0.00001; TOPMed 0.00001.
gnomAD v4.1: 1 of 1,613,828 alleles (0.000062%); highest among the groups gnomAD compares: Admixed American, 0.0017%; no homozygotes.

Submissions (2):

Labcorp Genetics (formerly Invitae), Labcorp
Classification: Likely benign for Tuberous sclerosis 1. Last evaluated: 2025-08-20. Review status: criteria provided, single submitter. Criteria: Invitae Variant Classification Sherloc (09022015). Collection method: clinical testing. Allele origin: germline.

Myriad Genetics, Inc.
Classification: Likely benign for Tuberous sclerosis 1. Last evaluated: 2025-04-25. Review status: criteria provided, single submitter. Criteria: Myriad Autosomal Dominant, Autosomal Recessive and X-Linked Classification Criteria (2023). Collection method: clinical testing. Allele origin: unknown.
Comment: This variant is considered likely benign. This variant is intronic and is not expected to impact mRNA splicing.